The following is an entry in ClinVar:

ClinVar aggregate classification (germline): Likely benign. Review status: criteria provided, multiple submitters, no conflicts (2 of 4 stars). 3 submissions from 3 submitters: Likely benign (3). Last evaluated 2023-01-21.

Conditions:
Hereditary cancer-predisposing syndrome. Also called: Neoplastic Syndromes, Hereditary; Tumor predisposition; Hereditary neoplastic syndrome; Hereditary Cancer Syndrome. Identifiers: Orphanet 140162, MedGen C0027672, MeSH D009386, MONDO:0015356.
Fanconi anemia (FA). Also called: Fanconi's anemia. Identifiers: Orphanet 84, MedGen C0015625, MeSH D005199, MONDO:0019391.

Allele frequency attached by ClinVar (database versions not stated): gnomAD exomes below 0.00001; TOPMed below 0.00001; ExAC 0.00001; gnomAD 0.00003.
gnomAD v4.1: 7 of 1,613,894 alleles (0.00043%); highest among the groups gnomAD compares: African/African-American, 0.008%; no homozygotes.

Submissions (3):

Labcorp Genetics (formerly Invitae), Labcorp
Classification: Likely benign for Fanconi anemia. Last evaluated: 2023-01-21. Review status: criteria provided, single submitter. Criteria: Invitae Variant Classification Sherloc (09022015). Collection method: clinical testing. Allele origin: germline.

Ambry Genetics
Classification: Likely benign for Hereditary cancer-predisposing syndrome. Last evaluated: 2019-07-16. Review status: criteria provided, single submitter. Criteria: Ambry Variant Classification Scheme 2023. Collection method: clinical testing. Allele origin: germline.

GeneDx
Classification: Likely benign. Last evaluated: 2018-04-12. Review status: criteria provided, single submitter. Criteria: GeneDx Variant Classification (06012015). Collection method: clinical testing. Allele origin: germline. Affected: yes.
Comment: This variant is considered likely benign or benign based on one or more of the following criteria: it is a conservative change, it occurs at a poorly conserved position in the protein, it is predicted to be benign by multiple in silico algorithms, and/or has population frequency not consistent with disease.

NM_000136.3(FANCC):c.1353C>T (p.Gly451=)

Genes: AOPEP (aminopeptidase O (putative); plus strand), FANCC (FA complementation group C; minus strand). Cytogenetic location: 9q22.32.
Variant type: single nucleotide variant.
Coding change: c.1353C>T on transcript NM_000136.3 (MANE Select); coding-DNA position 1353, C replaced by T.
Protein change: p.Gly451=; no amino-acid change (glycine 451 retained).
Molecular consequence: synonymous variant.
Genome position (GRCh38, 1-based): chr9:95,107,246, G>A on the plus strand (C>T on the coding strand, the complement: FANCC is on the minus strand). VCF-style: chr9-95107246-G-A. GRCh37 (hg19) VCF-style: chr9-97869528-G-A.
Other names: c.1353C>T, p.Gly451= (NM_001243743.2).
Identifiers: ClinVar variation 682207 (VCV000682207.14), dbSNP rs745338413, ClinGen allele CA5137340.